The following is an entry in ClinVar:

ClinVar aggregate classification (germline): Uncertain significance (1 of 4 stars; one submission).

Allele frequency attached by ClinVar (database versions not stated): gnomAD exomes below 0.00001; gnomAD 0.00002; TOPMed 0.00002.
gnomAD v4.1: 4 of 1,613,760 alleles (0.00025%); highest among the groups gnomAD compares: African/African-American, 0.0053%; no homozygotes.

Submission:

GeneDx
Classification: Uncertain significance. Last evaluated: 2020-07-01. Review status: criteria provided, single submitter. Criteria: GeneDx Variant Classification Process June 2021. Collection method: clinical testing. Allele origin: germline. Affected: yes.
Comment: Not observed in large population cohorts (Lek et al., 2016); In silico analysis supports that this missense variant has a deleterious effect on protein structure/function; Has not been previously published as pathogenic or benign to our knowledge

NM_020247.5(COQ8A):c.1313G>A (p.Cys438Tyr)

Gene: COQ8A (coenzyme Q8A; plus strand). Cytogenetic location: 1q42.13.
Variant type: single nucleotide variant.
Coding change: c.1313G>A on transcript NM_020247.5 (MANE Select); coding-DNA position 1313, G replaced by A.
Protein change: p.Cys438Tyr; replaces cysteine 438 with tyrosine.
Molecular consequence: missense variant.
Genome position (GRCh38, 1-based): chr1:226,984,150, G>A. VCF-style: chr1-226984150-G-A. GRCh37 (hg19) VCF-style: chr1-227171851-G-A.
Other names: short protein forms C438Y.
Identifiers: ClinVar variation 1312759 (VCV001312759.2), dbSNP rs1659914808, ClinGen allele CA345055181.